The following is an entry in ClinVar:

ClinVar aggregate classification (germline): Likely benign. Review status: criteria provided, single submitter (1 of 4 stars). 2 submissions from 2 submitters: Likely benign (1). 1 of the submissions does not count toward it. Last evaluated 2025-10-28.

Conditions:
Intellectual developmental disorder, autosomal dominant 6, with or without seizures. Also called: GRIN2B-related developmental delay, intellectual disability and autism spectrum disorder; Intellectual disability, autosomal dominant 6. Identifiers: Orphanet 589547, MedGen C3151411, MONDO:0013509, OMIM 613970.
Developmental and epileptic encephalopathy, 27 (DEE27). Also called: Epileptic encephalopathy, early infantile, 27; GRIN2B-Related Neurodevelopmental Disorder. Identifiers: Orphanet 3451, MedGen C4015316, MONDO:0014505, OMIM 616139.
GRIN2B-related disorder. Also called: GRIN2B-related condition.

Allele frequency attached by ClinVar (database versions not stated): TOPMed 0.00012; ESP Exome Variant Server 0.00015; gnomAD 0.00010.
gnomAD v4.1: 25 of 1,614,076 alleles (0.0015%); highest among the groups gnomAD compares: African/African-American, 0.029%; no homozygotes.

Submissions (2):

Labcorp Genetics (formerly Invitae), Labcorp
Classification: Likely benign for Developmental and epileptic encephalopathy, 27; Intellectual developmental disorder, autosomal dominant 6, with or without seizures. Last evaluated: 2025-10-28. Review status: criteria provided, single submitter. Criteria: Invitae Variant Classification Sherloc (09022015). Collection method: clinical testing. Allele origin: germline.

PreventionGenetics, part of Exact Sciences
Classification: Likely benign for GRIN2B-related condition. Last evaluated: 2024-06-28. Review status: no assertion criteria provided. Collection method: clinical testing. Allele origin: germline. Not counted in ClinVar's aggregate classification.
Comment: This variant is classified as likely benign based on ACMG/AMP sequence variant interpretation guidelines (Richards et al. 2015 PMID: 25741868, with internal and published modifications).

NM_000834.5(GRIN2B):c.681C>A (p.Ile227=)

Gene: GRIN2B (glutamate ionotropic receptor NMDA type subunit 2B; minus strand). Cytogenetic location: 12p13.1.
Variant type: single nucleotide variant.
Coding change: c.681C>A on transcript NM_000834.5 (MANE Select); coding-DNA position 681, C replaced by A.
Protein change: p.Ile227=; no amino-acid change (isoleucine 227 retained).
Molecular consequence: synonymous variant.
Genome position (GRCh38, 1-based): chr12:13,753,646, G>T on the plus strand (C>A on the coding strand, the complement: GRIN2B is on the minus strand). VCF-style: chr12-13753646-G-T. GRCh37 (hg19) VCF-style: chr12-13906580-G-T.
Identifiers: ClinVar variation 416584 (VCV000416584.13), dbSNP rs148254591, ClinGen allele CA6461378.